The following is an entry in ClinVar:

NM_000744.7(CHRNA4):c.458C>T (p.Pro153Leu)

Gene: CHRNA4 (cholinergic receptor nicotinic alpha 4 subunit; minus strand). Cytogenetic location: 20q13.33.
Variant type: single nucleotide variant.
Coding change: c.458C>T on transcript NM_000744.7 (MANE Select); coding-DNA position 458, C replaced by T.
Protein change: p.Pro153Leu; replaces proline 153 with leucine.
Molecular consequence: missense variant. On other transcripts: 5 prime UTR variant (1), non-coding transcript variant (1).
Genome position (GRCh38, 1-based): chr20:63,350,953, G>A on the plus strand (C>T on the coding strand, the complement: CHRNA4 is on the minus strand). VCF-style: chr20-63350953-G-A. GRCh37 (hg19) VCF-style: chr20-61982305-G-A.
Other names: c.-71C>T (NM_001256573.2); short protein forms P153L.
Identifiers: ClinVar variation 2499338 (VCV002499338.1), dbSNP rs2516543358, ClinGen allele CA409638597.

ClinVar aggregate classification (germline): Uncertain significance (1 of 4 stars; one submission).

Submission:

GeneDx
Classification: Uncertain significance. Last evaluated: 2022-10-17. Review status: criteria provided, single submitter. Criteria: GeneDx Variant Classification Process June 2021. Collection method: clinical testing. Allele origin: germline. Affected: yes.
Comment: Not observed at significant frequency in large population cohorts (gnomAD); In silico analysis supports that this missense variant has a deleterious effect on protein structure/function; Has not been previously published as pathogenic or benign to our knowledge